The following is an entry in ClinVar:

ClinVar aggregate classification (germline): Likely pathogenic. Review status: criteria provided, multiple submitters, no conflicts (2 of 4 stars). 3 submissions from 3 submitters: Likely pathogenic (3). Last evaluated 2024-02-27.

Conditions:
Tay-Sachs disease (TSD). Also called: HEXA DEFICIENCY; GM2 gangliosidosis, type 1; Hexosaminidase alpha-subunit deficiency (variant B); Sphingolipidosis, Tay-Sachs; HEXA Disorders; Hexosaminidase A Deficiency. Identifiers: Orphanet 845, MedGen C0039373, MONDO:0010100, OMIM 272800.

Submissions (3):

Natera, Inc.
Classification: Likely pathogenic for Tay-Sachs disease. Last evaluated: 2024-02-27. Review status: criteria provided, single submitter. Criteria: Natera Variant Classification Schema (03/2026). Collection method: clinical testing. Allele origin: germline.
Comment: The c.1031T>C variant in HEXA is a missense variant predicted to cause substitution of phenylalanine to serine at amino acid 344. This variant is rare in the general population with a frequency below the threshold expected for the associated phenotype(s). This variant has been observed in one or more individuals affected with the associated recessive disease, as either homozygous or compound heterozygous with a second variant (PMID: 29451896). Additionally, this variant has been observed to segregate in affected family members (PMID: 29451896). Computational prediction algorithms indicate this variant is likely to affect gene or protein function. Given the available evidence, this variant is classified as Likely Pathogenic.

Labcorp Genetics (formerly Invitae), Labcorp
Classification: Likely pathogenic for Tay-Sachs disease. Last evaluated: 2023-11-24. Review status: criteria provided, single submitter. Criteria: Invitae Variant Classification Sherloc (09022015). Collection method: clinical testing. Allele origin: germline.
Comment: This sequence change replaces phenylalanine, which is neutral and non-polar, with serine, which is neutral and polar, at codon 344 of the HEXA protein (p.Phe344Ser). This variant is not present in population databases (gnomAD no frequency). This missense change has been observed in individual(s) with hexosaminidase A deficiency (PMID: 29451896). In at least one individual the data is consistent with being in trans (on the opposite chromosome) from a pathogenic variant. It has also been observed to segregate with disease in related individuals. Advanced modeling of protein sequence and biophysical properties (such as structural, functional, and spatial information, amino acid conservation, physicochemical variation, residue mobility, and thermodynamic stability) has been performed at Invitae for this missense variant, however the output from this modeling did not meet the statistical confidence thresholds required to predict the impact of this variant on HEXA protein function. In summary, the currently available evidence indicates that the variant is pathogenic, but additional data are needed to prove that conclusively. Therefore, this variant has been classified as Likely Pathogenic.

Juno Genomics, Hangzhou Juno Genomics, Inc
Classification: Likely pathogenic for Tay-Sachs disease. Review status: criteria provided, single submitter. Criteria: ACMG Guidelines, 2015. Collection method: clinical testing. Allele origin: germline.
Comment: Absent from controls (or at extremely low frequency if recessive) in Genome Aggregation Database.;Multiple lines of computational evidence support a deleterious effect on the gene or gene product.;For recessive disorders, detected in trans with a pathogenic variant.;Patient's phenotype or family history is highly specific for a disease with a single genetic etiology.

Literature cited by the submitters: PubMed 29451896 (cited by Natera, Inc. and Labcorp Genetics (formerly Invitae), Labcorp).

NM_000520.6(HEXA):c.1031T>C (p.Phe344Ser)

Gene: HEXA (hexosaminidase subunit alpha; minus strand). Cytogenetic location: 15q23.
Variant type: single nucleotide variant.
Coding change: c.1031T>C on transcript NM_000520.6 (MANE Select); coding-DNA position 1031, T replaced by C.
Protein change: p.Phe344Ser; replaces phenylalanine 344 with serine.
Molecular consequence: missense variant. On other transcripts: non-coding transcript variant (1).
Genome position (GRCh38, 1-based): chr15:72,348,090, A>G on the plus strand (T>C on the coding strand, the complement: HEXA is on the minus strand). VCF-style: chr15-72348090-A-G. GRCh37 (hg19) VCF-style: chr15-72640431-A-G.
Other names: c.1064T>C, p.Phe355Ser (NM_001318825.2); c.1031T>C (NM_000520.5); short protein forms F355S, F344S.
Identifiers: ClinVar variation 2910381 (VCV002910381.6), dbSNP rs2542520432, ClinGen allele CA393061915.
Genomic context (GRCh38, chr15:72,348,090, plus strand): 5'-CCCTCCTTCCTTCCTCACGTCTGGATGTAGAAGGACTCCAGCTGCTTGAAGTCCTCACCG[A>G]AGCCTTTCTTCCTCATAAAGTCCTGGATCTCTGGGTTGGACTTCCTGAATCCCAAGAGAA-3'
Protein context (NP_000511.2, residues 334-354): EIQDFMRKKG[Phe344Ser]GEDFKQLESF